The following is an entry in ClinVar:

ClinVar aggregate classification (germline): Likely benign. Review status: criteria provided, multiple submitters, no conflicts (2 of 4 stars). 3 submissions from 3 submitters: Likely benign (2). 1 of the submissions does not count toward it. Last evaluated 2025-06-12.

Conditions:
LAMA5-related disorder. Also called: LAMA5-Related Disorders; LAMA5-related condition.

Allele frequency attached by ClinVar (database versions not stated): ExAC 0.00015; gnomAD 0.00048; TOPMed 0.00067; ESP Exome Variant Server 0.00069; 1000 Genomes Project 0.00120; 1000 Genomes Project 30x 0.00125.
gnomAD v4.1: 146 of 1,613,004 alleles (0.0091%); highest among the groups gnomAD compares: African/African-American, 0.18%; no homozygotes.

Submissions (3):

Labcorp Genetics (formerly Invitae), Labcorp
Classification: Likely benign. Last evaluated: 2025-06-12. Review status: criteria provided, single submitter. Criteria: Invitae Variant Classification Sherloc (09022015). Collection method: clinical testing. Allele origin: germline.

Blueprint Genetics
Classification: Likely benign. Last evaluated: 2024-06-10. Review status: criteria provided, single submitter. Criteria: ACMG Guidelines, 2015. Collection method: clinical testing. Allele origin: germline.

PreventionGenetics, part of Exact Sciences
Classification: Likely benign for LAMA5-related condition. Last evaluated: 2019-07-31. Review status: no assertion criteria provided. Collection method: clinical testing. Allele origin: germline. Not counted in ClinVar's aggregate classification.
Comment: This variant is classified as likely benign based on ACMG/AMP sequence variant interpretation guidelines (Richards et al. 2015 PMID: 25741868, with internal and published modifications).

NM_005560.6(LAMA5):c.1398G>A (p.Thr466=)

Gene: LAMA5 (laminin subunit alpha 5; minus strand). Cytogenetic location: 20q13.33.
Variant type: single nucleotide variant.
Coding change: c.1398G>A on transcript NM_005560.6 (MANE Select); coding-DNA position 1398, G replaced by A.
Protein change: p.Thr466=; no amino-acid change (threonine 466 retained).
Molecular consequence: synonymous variant.
Genome position (GRCh38, 1-based): chr20:62,346,100, C>T on the plus strand (G>A on the coding strand, the complement: LAMA5 is on the minus strand). VCF-style: chr20-62346100-C-T. GRCh37 (hg19) VCF-style: chr20-60921156-C-T.
Other names: c.1398G>A (NM_005560.4).
Identifiers: ClinVar variation 2198926 (VCV002198926.7), dbSNP rs148379552, ClinGen allele CA9943968.